The following is an entry in ClinVar:

NM_018972.4(GDAP1):c.864A>G (p.Thr288=)

Gene: GDAP1 (ganglioside induced differentiation associated protein 1; plus strand). Cytogenetic location: 8q21.11.
Variant type: single nucleotide variant.
Coding change: c.864A>G on transcript NM_018972.4 (MANE Select); coding-DNA position 864, A replaced by G.
Protein change: p.Thr288=; no amino-acid change (threonine 288 retained).
Molecular consequence: synonymous variant. On other transcripts: intron variant (1).
Genome position (GRCh38, 1-based): chr8:74,364,154, A>G. VCF-style: chr8-74364154-A-G. GRCh37 (hg19) VCF-style: chr8-75276389-A-G.
Other names: c.864A>G (NM_018972.2); c.660A>G, p.Thr220= (NM_001040875.4); c.537A>G, p.Thr179= (NM_001362929.2, NM_001362932.2); c.690A>G, p.Thr230= (NM_001362930.2); c.694+1101A>G (NM_001362931.2).
Identifiers: ClinVar variation 1138609 (VCV001138609.10), dbSNP rs1452402318, ClinGen allele CA461772580.
Genomic context (GRCh38, chr8:74,364,154, plus strand): 5'-GGGAAACGGAAAGCGACCAAACTTGGAAACCTATTACGAGCGTGTCTTGAAGAGAAAAAC[A>G]TTTAACAAGGTTTTAGGACATGTCAACAATATATTAATCTCTGCAGTGCTGCCAACAGCA-3'
Protein context (NP_061845.2, residues 278-298): TYYERVLKRK[Thr288=]FNKVLGHVNN

ClinVar aggregate classification (germline): Likely benign. Review status: criteria provided, multiple submitters, no conflicts (2 of 4 stars). 2 submissions from 2 submitters: Likely benign (2). Last evaluated 2026-09-10.

Conditions:
GDAP1-related disorder. Also called: GDAP1-related disorders; GDAP1-related condition.
Charcot-Marie-Tooth disease type 4A. Also called: Charcot-Marie-Tooth disease, demyelinating, autosomal recessive, type 4a. Identifiers: Orphanet 99948, MedGen C1859198, MONDO:0008961, OMIM 214400.

Allele frequency attached by ClinVar (database versions not stated): gnomAD exomes below 0.00001; gnomAD 0.00001; TOPMed 0.00002.
gnomAD v4.1: 5 of 1,613,956 alleles (0.00031%); highest among the groups gnomAD compares: Admixed American, 0.0017%; no homozygotes.

Submissions (2):

PreventionGenetics, part of Exact Sciences
Classification: Likely benign for GDAP1-related condition. Last evaluated: 2026-09-10. Review status: criteria provided, single submitter. Criteria: ACMG Guidelines, 2015. Collection method: clinical testing. Allele origin: germline.
Comment: This variant is classified as likely benign based on ACMG/AMP sequence variant interpretation guidelines (Richards et al. 2015 PMID: 25741868, with internal and published modifications).

Labcorp Genetics (formerly Invitae), Labcorp
Classification: Likely benign for Charcot-Marie-Tooth disease type 4A. Last evaluated: 2024-11-04. Review status: criteria provided, single submitter. Criteria: Invitae Variant Classification Sherloc (09022015). Collection method: clinical testing. Allele origin: germline.